The following is an entry in ClinVar:

ClinVar aggregate classification (germline): Uncertain significance (1 of 4 stars; one submission).

Conditions:
Zellweger spectrum disorders (ZS). Also called: Zellweger Spectrum Disorder (ZSD); Zellweger Spectrum Disorder; Zellweger Spectrum; Zellweger syndrome. Identifiers: Orphanet 912, MedGen C0043459, MONDO:0019609.

Allele frequency attached by ClinVar (database versions not stated): gnomAD exomes below 0.00001.
gnomAD v4.1: 1 of 1,613,760 alleles (0.000062%); highest among the groups gnomAD compares: African/African-American, 0.0013%; no homozygotes.

Submission:

Labcorp Genetics (formerly Invitae), Labcorp
Classification: Uncertain significance for Zellweger spectrum disorders. Last evaluated: 2022-10-04. Review status: criteria provided, single submitter. Criteria: Invitae Variant Classification Sherloc (09022015). Collection method: clinical testing. Allele origin: germline.
Comment: This sequence change replaces alanine, which is neutral and non-polar, with glycine, which is neutral and non-polar, at codon 1058 of the PEX1 protein (p.Ala1058Gly). This variant is not present in population databases (gnomAD no frequency). This variant has not been reported in the literature in individuals affected with PEX1-related conditions. Advanced modeling of protein sequence and biophysical properties (such as structural, functional, and spatial information, amino acid conservation, physicochemical variation, residue mobility, and thermodynamic stability) performed at Invitae indicates that this missense variant is expected to disrupt PEX1 protein function. In summary, the available evidence is currently insufficient to determine the role of this variant in disease. Therefore, it has been classified as a Variant of Uncertain Significance.

NM_000466.3(PEX1):c.3173C>G (p.Ala1058Gly)

Genes: GATAD1 (GATA zinc finger domain containing 1; plus strand), PEX1 (peroxisomal biogenesis factor 1; minus strand). Cytogenetic location: 7q21.2.
Variant type: single nucleotide variant.
Coding change: c.3173C>G on transcript NM_000466.3 (MANE Select); coding-DNA position 3173, C replaced by G.
Protein change: p.Ala1058Gly; replaces alanine 1058 with glycine.
Molecular consequence: missense variant.
Genome position (GRCh38, 1-based): chr7:92,492,987, G>C on the plus strand (C>G on the coding strand, the complement: PEX1 is on the minus strand). VCF-style: chr7-92492987-G-C. GRCh37 (hg19) VCF-style: chr7-92122301-G-C.
Other names: c.3002C>G, p.Ala1001Gly (NM_001282677.2); c.2549C>G, p.Ala850Gly (NM_001282678.2); short protein forms A850G, A1058G, A1001G.
Identifiers: ClinVar variation 2084069 (VCV002084069.1), dbSNP rs2484628587, ClinGen allele CA368166128.
Genomic context (GRCh38, chr7:92,492,987, plus strand): 5'-CATAACAACTTCCTCATATAACTTGCCTGGAGTCCACTCGAGAGCAGCATTCCATGTAAG[G>C]CCTCCAATTGGGCATTGTAAAGTAAAGCTTTCAGATCAGCTCCAGTAAAGGAGTCAGTTA-3'
Protein context (NP_000457.1, residues 1048-1068): KALLYNAQLE[Ala1058Gly]LHGMLLSSGL